The following continues an entry in ClinVar:

NM_004168.4(SDHA):c.1534C>T (p.Arg512Ter)

Gene: SDHA. ClinVar aggregate classification (germline): Pathogenic/Likely pathogenic. Pathogenic (13); Likely pathogenic (4).

Submissions 14 to 19 of 19:

Sema4
Classification: Pathogenic for Hereditary cancer-predisposing syndrome. Last evaluated: 2021-11-01. Review status: criteria provided, single submitter. Criteria: Sema4 Curation Guidelines. Collection method: curation. Allele origin: germline.
Comment: The SDHA c.1534C>T (p.R512X) variant has been reported in at least two individuals with paraganglioma (PMID: 25720320, 30877234). Tumors found in one of the PGL patients exhibited loss of SDHB and SDHA expression (PMID: 25720320). This variant has also been reported in at least one individual with gastrointestinal stromal tumor (PMID: 22955521). This nonsense variant creates a premature stop codon at residue 512 of the SDHA protein. At this location, this variant is predicted to cause loss of normal protein function either through protein truncation or nonsense-mediated mRNA decay. Loss-of-function variants in SDHA are known to be pathogenic (PMID: 22974104, 24781757). This variant was observed in 10/128458 chromosomes in the Non-Finnish European population, according to the Genome Aggregation Database (PMID: 32461654). This allele frequency is high but consistent with reduced penetrance. This variant has been reported in ClinVar (Variation ID: 371805). Based on the current evidence available, this variant is interpreted as pathogenic.

Fulgent Genetics
Classification: Pathogenic for Mitochondrial complex II deficiency, nuclear type 1; Dilated cardiomyopathy 1GG; Pheochromocytoma/paraganglioma syndrome 5; Neurodegeneration with ataxia and late-onset optic atrophy. Last evaluated: 2021-09-01. Review status: criteria provided, single submitter. Criteria: ACMG Guidelines, 2015. Collection method: clinical testing. Allele origin: unknown.

Illumina Laboratory Services, Illumina
Classification: Pathogenic for Pheochromocytoma/paraganglioma syndrome 5. Last evaluated: 2021-03-11. Review status: criteria provided, single submitter. Criteria: ICSLVariantClassificationCriteria RUGD 01 April 2020. Collection method: clinical testing. Allele origin: unknown.
Comment: The SDHA c.1534C>T (p.Arg512Ter) variant is a stop-gained variant that is predicted to result in a premature termination or absence of the protein. The p.Arg512Ter variant has been reported in two studies in which it was identified as a germline variant in at least two affected individuals including one individual with a paraganglioma and one individual with a gastrointestinal stromal tumor (Wagner et al. 2013; Papathomas et al. 2015). The p.Arg512Ter variant is reported at a frequency of 0.000078 in the European (non-Finnish) population from of the Genome Aggregation Database. This allele frequency is high but is may be consistent with reduced penetrance. Based on the available evidence and application of the ACMG criteria, the p.Arg512Ter variant is classified as pathogenic for hereditary pheochromocytoma-paraganglioma syndrome.

Juno Genomics, Hangzhou Juno Genomics, Inc
Classification: Pathogenic for Pheochromocytoma/paraganglioma syndrome 5. Review status: criteria provided, single submitter. Criteria: ACMG Guidelines, 2015. Collection method: clinical testing. Allele origin: germline.
Comment: Absent from controls (or at extremely low frequency if recessive) in Genome Aggregation Database.;Null variant in a gene where loss of function (LOF) is a known mechanism of disease.;The prevalence of the variant in affected individuals is significantly increased compared to the prevalence in controls.

Counsyl
Classification: Likely pathogenic for Pheochromocytoma/paraganglioma syndrome 5. Last evaluated: 2015-12-13. Review status: no assertion criteria provided. Collection method: clinical testing. Allele origin: unknown. Not counted in ClinVar's aggregate classification.

Pele Pequeno Principe Research Institute, Faculdades Pequeno Principe
Classification: Pathogenic for Opsoclonus-myoclonus syndrome. Review status: no assertion criteria provided. Collection method: clinical testing. Allele origin: de novo. Inheritance: Sporadic. Affected: yes. Observed: 1 heterozygote. Not counted in ClinVar's aggregate classification.

Literature cited by the submitters: PubMed 22974104 (cited by Labcorp Genetics (formerly Invitae), Labcorp and Sema4); PubMed 24781757 (cited by Labcorp Genetics (formerly Invitae), Labcorp and Sema4); PubMed 22955521 (cited by 6 submitters); PubMed 25720320 (cited by 6 submitters); PubMed 29177515 (cited by Ambry Genetics and Quest Diagnostics Nichols Institute San Juan Capistrano); PubMed 30854332 (cited by Ambry Genetics and Quest Diagnostics Nichols Institute San Juan Capistrano); PubMed 33854214 (cited by Ambry Genetics and Quest Diagnostics Nichols Institute San Juan Capistrano); PubMed 30877234 (cited by 3 submitters); PubMed 36010880 (cited by Quest Diagnostics Nichols Institute San Juan Capistrano); PubMed 31589614 (cited by AiLife Diagnostics); PubMed 29978154 (cited by AiLife Diagnostics); PubMed 31981491 (cited by AiLife Diagnostics); PubMed 32581362 (cited by AiLife Diagnostics).